The following is an entry in ClinVar:

ClinVar aggregate classification (germline): Conflicting classifications of pathogenicity. Review status: criteria provided, conflicting classifications (1 of 4 stars). 5 submissions from 5 submitters: Uncertain significance (4); Likely benign (1). Last evaluated 2026-03-13.

Conditions:
Familial thoracic aortic aneurysm and aortic dissection (TAAD). Also called: Thoracic aortic aneurysms and dissections. Identifiers: Orphanet 91387, MedGen C4707243, MONDO:0019625.
Ehlers-Danlos syndrome, type 4 (EDSVASC). Also called: Ehlers-Danlos Syndrome Type IV; Ehlers-Danlos syndrome vascular type; Ehlers Danlos syndrome, ecchymotic type; Ehlers Danlos syndrome, arterial type; Ehlers Danlos syndrome, Sack-Barabas type. Identifiers: Orphanet 286, MedGen C0268338, MONDO:0017314, OMIM 130050.

Allele frequency attached by ClinVar (database versions not stated): TOPMed 0.00001; gnomAD exomes 0.00002; ExAC 0.00003.
gnomAD v4.1: 9 of 1,613,304 alleles (0.00056%); highest among the groups gnomAD compares: Non-Finnish European, 0.00068%; no homozygotes.

Submissions (5):

Women's Health and Genetics/Laboratory Corporation of America, LabCorp
Classification: Uncertain significance. Last evaluated: 2026-03-13. Review status: criteria provided, single submitter. Criteria: LabCorp Variant Classification Summary - May 2015. Collection method: clinical testing. Allele origin: germline.
Comment: Variant summary: COL3A1 c.1873C>T (p.Pro625Ser) results in a non-conservative amino acid change in the encoded protein sequence. Algorithms developed to predict the effect of missense changes on protein structure and function are either unavailable or do not agree on the potential impact of this missense change. The variant allele was found at a frequency of 2e-05 in 251116 control chromosomes. The available data on variant occurrences in the general population are insufficient to allow any conclusion about variant significance. To our knowledge, no occurrence of c.1873C>T in individuals affected with COL3A1-related conditions and no experimental evidence demonstrating its impact on protein function have been reported. ClinVar contains an entry for this variant (Variation ID: 846400). Based on the evidence outlined above, the variant was classified as uncertain significance.

Labcorp Genetics (formerly Invitae), Labcorp
Classification: Uncertain significance for Ehlers-Danlos syndrome, type 4. Last evaluated: 2025-08-03. Review status: criteria provided, single submitter. Criteria: Invitae Variant Classification Sherloc (09022015). Collection method: clinical testing. Allele origin: germline.
Comment: This sequence change replaces proline, which is neutral and non-polar, with serine, which is neutral and polar, at codon 625 of the COL3A1 protein (p.Pro625Ser). This variant is present in population databases (rs747419192, gnomAD 0.004%). This variant has not been reported in the literature in individuals affected with COL3A1-related conditions. ClinVar contains an entry for this variant (Variation ID: 846400). Invitae Evidence Modeling of protein sequence and biophysical properties (such as structural, functional, and spatial information, amino acid conservation, physicochemical variation, residue mobility, and thermodynamic stability) indicates that this missense variant is not expected to disrupt COL3A1 protein function with a negative predictive value of 95%. In summary, the available evidence is currently insufficient to determine the role of this variant in disease. Therefore, it has been classified as a Variant of Uncertain Significance.

Color Diagnostics, LLC DBA Color Health
Classification: Uncertain significance for Familial thoracic aortic aneurysm and aortic dissection. Last evaluated: 2025-06-23. Review status: criteria provided, single submitter. Criteria: ACMG Guidelines, 2015. Collection method: clinical testing. Allele origin: germline.
Comment: This missense variant replaces proline with serine at codon 625 of the COL3A1 protein. Computational prediction suggests that this variant may not impact protein structure and function. To our knowledge, functional studies have not been reported for this variant. This variant has not been reported in individuals affected with COL3A1-related disorders in the literature. This variant has been identified in 5/251116 chromosomes in the general population by the Genome Aggregation Database (gnomAD). The available evidence is insufficient to determine the role of this variant in disease conclusively. Therefore, this variant is classified as a Variant of Uncertain Significance.

Ambry Genetics
Classification: Likely benign for Familial thoracic aortic aneurysm and aortic dissection. Last evaluated: 2024-06-06. Review status: criteria provided, single submitter. Criteria: Ambry Variant Classification Scheme 2023. Collection method: clinical testing. Allele origin: germline.

GeneDx
Classification: Uncertain significance. Last evaluated: 2022-01-31. Review status: criteria provided, single submitter. Criteria: GeneDx Variant Classification Process June 2021. Collection method: clinical testing. Allele origin: germline. Affected: yes.
Comment: Has not been previously published as pathogenic or benign to our knowledge; Not observed at significant frequency in large population cohorts (gnomAD); In silico analysis supports that this missense variant has a deleterious effect on protein structure/function; Occurs in the triple helical domain at the X position in the canonical Gly-X-Y repeat; although this variant may have an effect on normal protein folding and function, missense substitution at the X position is not a common mechanism of disease (HGMD); Reported in ClinVar as a variant of uncertain significance (ClinVar Variant ID# 846400)

NM_000090.4(COL3A1):c.1873C>T (p.Pro625Ser)

Gene: COL3A1 (collagen type III alpha 1 chain; plus strand). Cytogenetic location: 2q32.2.
Variant type: single nucleotide variant.
Coding change: c.1873C>T on transcript NM_000090.4 (MANE Select); coding-DNA position 1873, C replaced by T.
Protein change: p.Pro625Ser; replaces proline 625 with serine.
Molecular consequence: missense variant.
Genome position (GRCh38, 1-based): chr2:188,997,703, C>T. VCF-style: chr2-188997703-C-T. GRCh37 (hg19) VCF-style: chr2-189862429-C-T.
Other names: short protein forms P625S.
Identifiers: ClinVar variation 846400 (VCV000846400.13), dbSNP rs747419192, ClinGen allele CA074804.